The following is an entry in ClinVar:

NM_138420.4(AHNAK2):c.10680_10709del (p.Glu3560_Val3569del)

Gene: AHNAK2 (AHNAK nucleoprotein 2; minus strand). Cytogenetic location: 14q32.33.
Variant type: Deletion.
Coding change: c.10680_10709del on transcript NM_138420.4 (MANE Select); coding-DNA positions 10680 to 10709, 30 bases deleted (GATGCCCAGTTTAAAGACGCCCAAAGTGGA).
Protein change: p.Glu3560_Val3569del.
Molecular consequence: inframe deletion.
Genome position (GRCh38, 1-based): chr14:104,944,742-104,944,771, TCCACTTTGGGCGTCTTTAAACTGGGCATC deleted on the plus strand (GATGCCCAGTTTAAAGACGCCCAAAGTGGA on the coding strand, the reverse complement: AHNAK2 is on the minus strand); deleting any 30 consecutive bases within chr14:104,944,742-104,944,783 gives the same sequence; the c. name uses the placement nearest the transcript's 3' end. VCF-style (leftmost placement, unchanged base first): chr14-104944741-GTCCACTTTGGGCGTCTTTAAACTGGGCATC-G. GRCh37 (hg19) VCF-style: chr14-105411078-GTCCACTTTGGGCGTCTTTAAACTGGGCATC-G.
Other names: c.10380_10409del, p.Glu3460_Val3469del (NM_001350929.2).
Identifiers: ClinVar variation 2644661 (VCV002644661.24), dbSNP rs754210015, ClinGen allele CA7378995.
Genomic context (GRCh38, chr14:104,944,741, plus strand): 5'-TGCCTTGGGGCCTTTCAGGTCCAGCTTGGGGCCCTTAACATCTATCTGGGGGCCCTTGAG[GTCCACTTTGGGCGTCTTTAAACTGGGCATC>G]TCCACTTTGGGCAGGTGCCCTTTGAGGCCGGCTCCCTCGGGCACGGGGCCCTCCAGGAGT-3'

ClinVar aggregate classification (germline): Benign (1 of 4 stars; one submission).

Submission:

CeGaT Center for Human Genetics Tuebingen
Classification: Benign. Last evaluated: 2025-04-01. Review status: criteria provided, single submitter. Criteria: CeGaT Center For Human Genetics Tuebingen Variant Classification Criteria Version 2. Collection method: clinical testing. Allele origin: germline. Affected: yes. Observed: 2 variant alleles.
Comment: AHNAK2: BS1, BS2